The following is an entry in ClinVar:

ClinVar aggregate classification (germline): Uncertain significance (1 of 4 stars; one submission).

Submission:

GeneDx
Classification: Uncertain significance. Last evaluated: 2022-10-10. Review status: criteria provided, single submitter. Criteria: GeneDx Variant Classification Process June 2021. Collection method: clinical testing. Allele origin: germline. Affected: yes.
Comment: Not observed at significant frequency in large population cohorts (gnomAD); In silico analysis supports that this missense variant has a deleterious effect on protein structure/function; This variant is associated with the following publications: (PMID: 29178447)

NM_017780.4(CHD7):c.4215G>C (p.Gln1405His)

Gene: CHD7 (chromodomain helicase DNA binding protein 7; plus strand). Cytogenetic location: 8q12.2.
Variant type: single nucleotide variant.
Coding change: c.4215G>C on transcript NM_017780.4 (MANE Select); coding-DNA position 4215, G replaced by C.
Protein change: p.Gln1405His; replaces glutamine 1405 with histidine.
Molecular consequence: missense variant. On other transcripts: intron variant (1).
Genome position (GRCh38, 1-based): chr8:60,837,697, G>C. VCF-style: chr8-60837697-G-C. GRCh37 (hg19) VCF-style: chr8-61750256-G-C.
Other names: c.1717-24532G>C (NM_001316690.1); short protein forms Q1405H.
Identifiers: ClinVar variation 2497953 (VCV002497953.1), dbSNP rs2487910333, ClinGen allele CA371317708.